The following is an entry in ClinVar:

Single allele

Gene: TANGO2 (transport and golgi organization 2 homolog; plus strand). Cytogenetic location: 22q11.21.
Variant type: Deletion.
Identifiers: ClinVar variation 4056473 (VCV004056473.1).

ClinVar aggregate classification (germline): Pathogenic (1 of 4 stars; one submission).

Conditions:
Recurrent metabolic encephalomyopathic crises-rhabdomyolysis-cardiac arrhythmia-intellectual disability syndrome (MECRCN). Also called: Metabolic encephalomyopathic crises, recurrent, with rhabdomyolysis, cardiac arrhythmias, and neurodegeneration; METABOLIC CRISES, RECURRENT, WITH RHABDOMYOLYSIS, CARDIAC ARRHYTHMIAS, AND NEURODEGENERATION; TANGO2 Deficiency. Identifiers: Orphanet 480864, MedGen C5567524, MONDO:0018820, OMIM 616878.

Submission:

Broad Center for Mendelian Genomics, Broad Institute of MIT and Harvard
Classification: Pathogenic for Recurrent metabolic encephalomyopathic crises-rhabdomyolysis-cardiac arrhythmia-intellectual disability syndrome. Last evaluated: 2025-06-06. Review status: criteria provided, single submitter. Criteria: ACMG/ClinGen CNV Guidelines, 2019. Collection method: curation. Allele origin: unknown. Inheritance: Autosomal recessive inheritance.
Comment: The deletion of exons 3-9 in TANGO2 was identified in many individuals with metabolic encephalomyopathic crises, recurrent, with rhabdomyolysis, cardiac arrhythmias, and neurodegeneration (MECRCN; PMID: 30245509, 26805782, 26805781, 31339582, 31276219), and segregated with disease in many family members. The variant has been identified in 0.1% (68/59070) of European (non-Finnish) chromosomes, including one homozygote, by the Genome Aggregation Database (gnomAD). Although this variant has been seen in the general population in a heterozygous state, its frequency is not high enough to rule out a pathogenic role. This variant has also been reported in ClinVar (VCV002500728.1, VCV000662837.2) and has been interpreted as pathogenic by Labcorp Genetics and Victorian Clinical Genetics Services (Murdoch Childrens Research Institute). Of the many affected individuals, at least 2 of those were homozygotes, and at least 1 were compound heterozygotes that carried reported pathogenic/likely pathogenic variants in trans, which increases the likelihood that the deletion is pathogenic ( PMID: 30245509, 26805782, 26805781, 31339582, 31276219). This intragenic variant is predicted to cause a frameshift, which alters the protein’s amino acid sequence and leads to a premature termination codon. This alteration is then predicted to lead to a truncated or absent protein. Loss of function of TANGO2 is an established disease mechanism in autosomal recessive MECRCN. In summary, this variant meets criteria to be classified as pathogenic for autosomal recessive metabolic encephalomyopathic crises, recurrent, with rhabdomyolysis, cardiac arrhythmias, and neurodegeneration. The ACMG/ClinGen evidence codes and points used in this curation are as follows: 1A: 0 points, 2E: 0.90 points, 3A: 0 points, 4E: 0.45 points; Total: +1.35 points; Riggs 2020 (PMID: 31690835).

Literature cited by the submitters: PubMed 30245509; PubMed 26805782; PubMed 26805781; PubMed 31339582; PubMed 31276219.